The following is an entry in ClinVar:

NM_198880.3(QRICH1):c.2114T>G (p.Leu705Arg)

Gene: QRICH1 (glutamine rich 1; minus strand). Cytogenetic location: 3p21.31.
Variant type: single nucleotide variant.
Coding change: c.2114T>G on transcript NM_198880.3 (MANE Select); coding-DNA position 2114, T replaced by G.
Protein change: p.Leu705Arg; replaces leucine 705 with arginine.
Molecular consequence: missense variant.
Genome position (GRCh38, 1-based): chr3:49,032,207, A>C on the plus strand (T>G on the coding strand, the complement: QRICH1 is on the minus strand). VCF-style: chr3-49032207-A-C. GRCh37 (hg19) VCF-style: chr3-49069640-A-C.
Other names: c.2114T>G, p.Leu705Arg (NM_001320580.2, NM_001320581.2, NM_001320582.2 and 4 more transcripts); short protein forms L705R.
Identifiers: ClinVar variation 2412832 (VCV002412832.3), dbSNP rs2471646855, ClinGen allele CA352752195.

ClinVar aggregate classification (germline): Uncertain significance (1 of 4 stars; one submission).

Submission:

GeneDx
Classification: Uncertain significance. Last evaluated: 2022-07-29. Review status: criteria provided, single submitter. Criteria: GeneDx Variant Classification Process June 2021. Collection method: clinical testing. Allele origin: germline. Affected: yes.
Comment: Not observed at significant frequency in large population cohorts (gnomAD); In silico analysis supports that this missense variant has a deleterious effect on protein structure/function; Has not been previously published as pathogenic or benign to our knowledge